The following is an entry in ClinVar:

NM_181703.4(GJA5):c.353G>A (p.Arg118Gln)

Gene: GJA5 (gap junction protein alpha 5; minus strand). Cytogenetic location: 1q21.2.
Variant type: single nucleotide variant.
Coding change: c.353G>A on transcript NM_181703.4 (MANE Select); coding-DNA position 353, G replaced by A.
Protein change: p.Arg118Gln; replaces arginine 118 with glutamine.
Molecular consequence: missense variant.
Genome position (GRCh38, 1-based): chr1:147,758,886, C>T on the plus strand (G>A on the coding strand, the complement: GJA5 is on the minus strand). VCF-style: chr1-147758886-C-T. GRCh37 (hg19) VCF-style: chr1-147230994-C-T.
Other names: c.353G>A, p.Arg118Gln (NM_005266.7); c.353G>A (NM_005266.5); short protein forms R118Q.
Identifiers: ClinVar variation 292450 (VCV000292450.10), dbSNP rs782580208, ClinGen allele CA10608019.
Genomic context (GRCh38, chr1:147,758,886, plus strand): 5'-TCCTCCCAGCAGGACAGTTCTGCCTTCTCTGCCACCGGGTACTCGTAAGAGCCAGAGCCC[C>T]GGACCTCTTTGGCCCTCTCGGCCTCCCGTAGCTTGCGCTTCTCCTGCATGCGCACAGTGT-3'
Protein context (NP_859054.1, residues 108-128): LREAERAKEV[Arg118Gln]GSGSYEYPVA

ClinVar aggregate classification (germline): Conflicting classifications of pathogenicity. Review status: criteria provided, conflicting classifications (1 of 4 stars). 3 submissions from 3 submitters: Uncertain significance (2); Likely benign (1). Last evaluated 2024-08-19.

Conditions:
Atrial standstill 1 (ATRST1). Also called: Atrial standstill, digenic (GJA5/SCN5A); ATRIAL CARDIOMYOPATHY WITH HEART BLOCK; CARDIOMYOPATHY, FAMILIAL, WITH CONDUCTION DISTURBANCE. Identifiers: Orphanet 1344, MedGen C4551959, MONDO:0007171, OMIM 108770.
Atrial fibrillation, familial, 11 (ATFB11). Identifiers: MedGen C3279693, MONDO:0013544, OMIM 614049.
Inborn genetic diseases. Identifiers: MedGen C0950123, MeSH D030342.

Allele frequency attached by ClinVar (database versions not stated): TOPMed below 0.00001; gnomAD 0.00001.
gnomAD v4.1: 10 of 1,614,220 alleles (0.00062%); highest among the groups gnomAD compares: Admixed American, 0.0017%; no homozygotes.

Submissions (3):

Ambry Genetics
Classification: Likely benign for Inborn genetic diseases. Last evaluated: 2024-08-19. Review status: criteria provided, single submitter. Criteria: Ambry Variant Classification Scheme 2023. Collection method: clinical testing. Allele origin: germline.

Labcorp Genetics (formerly Invitae), Labcorp
Classification: Uncertain significance for Atrial fibrillation, familial, 11; Atrial standstill 1. Last evaluated: 2022-09-07. Review status: criteria provided, single submitter. Criteria: Invitae Variant Classification Sherloc (09022015). Collection method: clinical testing. Allele origin: germline.
Comment: Algorithms developed to predict the effect of missense changes on protein structure and function output the following: SIFT: "Tolerated"; PolyPhen-2: "Benign"; Align-GVGD: "Class C0". The glutamine amino acid residue is found in multiple mammalian species, which suggests that this missense change does not adversely affect protein function. ClinVar contains an entry for this variant (Variation ID: 292450). This variant has not been reported in the literature in individuals affected with GJA5-related conditions. This variant is not present in population databases (gnomAD no frequency). This sequence change replaces arginine, which is basic and polar, with glutamine, which is neutral and polar, at codon 118 of the GJA5 protein (p.Arg118Gln). In summary, the available evidence is currently insufficient to determine the role of this variant in disease. Therefore, it has been classified as a Variant of Uncertain Significance.

Illumina Laboratory Services, Illumina
Classification: Uncertain significance for Atrial fibrillation, familial, 11. Last evaluated: 2018-01-13. Review status: criteria provided, single submitter. Criteria: ICSL Variant Classification Criteria 13 December 2019. Collection method: clinical testing. Allele origin: germline.